The following is an entry in ClinVar:

ClinVar aggregate classification (germline): Likely benign (1 of 4 stars; one submission).

Submission:

CeGaT Center for Human Genetics Tuebingen
Classification: Likely benign. Last evaluated: 2026-09-01. Review status: criteria provided, single submitter. Criteria: CeGaT Center For Human Genetics Tuebingen Variant Classification Criteria Version 2. Collection method: clinical testing. Allele origin: germline. Affected: yes. Observed: 1 variant allele.
Comment: NUTM2F: BP4, BP7

NM_017561.2(NUTM2F):c.402C>T (p.Pro134=)

Gene: NUTM2F (NUT family member 2F; minus strand). Cytogenetic location: 9q22.32.
Variant type: single nucleotide variant.
Coding change: c.402C>T on transcript NM_017561.2 (MANE Select); coding-DNA position 402, C replaced by T.
Protein change: p.Pro134=; no amino-acid change (proline 134 retained).
Molecular consequence: synonymous variant.
Genome position (GRCh38, 1-based): chr9:94,325,549, G>A on the plus strand (C>T on the coding strand, the complement: NUTM2F is on the minus strand). VCF-style: chr9-94325549-G-A. GRCh37 (hg19) VCF-style: chr9-97087831-G-A.
Identifiers: ClinVar variation 5041045 (VCV005041045.1).